The following is an entry in ClinVar:

NM_000444.6(PHEX):c.1079+1G>T

Gene: PHEX (phosphate regulating endopeptidase X-linked; plus strand). Cytogenetic location: Xp22.11.
Variant type: single nucleotide variant.
Coding change: c.1079+1G>T on transcript NM_000444.6 (MANE Select); the canonical splice donor site of the intron after coding-DNA position 1079, G replaced by T.
Molecular consequence: splice donor variant.
Genome position (GRCh38, 1-based): chrX:22,099,152, G>T. VCF-style: chrX-22099152-G-T. GRCh37 (hg19) VCF-style: chrX-22117270-G-T.
Other names: c.1079+1G>T (NM_001282754.2).
Identifiers: ClinVar variation 1410506 (VCV001410506.8), dbSNP rs886039583, ClinGen allele CA412573061.

ClinVar aggregate classification (germline): Pathogenic (1 of 4 stars; one submission).

Allele frequency attached by ClinVar (database versions not stated): gnomAD exomes below 0.00001.
gnomAD v4.1: 1 of 1,204,228 alleles (0.000083%); highest among the groups gnomAD compares: Non-Finnish European, 0.00011%; no homozygotes.

Submission:

Labcorp Genetics (formerly Invitae), Labcorp
Classification: Pathogenic. Last evaluated: 2020-12-14. Review status: criteria provided, single submitter. Criteria: Invitae Variant Classification Sherloc (09022015). Collection method: clinical testing. Allele origin: germline.
Comment: This variant has been observed in individual(s) with hypophosphatemia (PMID: 30607568, Invitae). This variant is not present in population databases (ExAC no frequency). This sequence change affects a donor splice site in intron 9 of the PHEX gene. It is expected to disrupt RNA splicing. Variants that disrupt the donor or acceptor splice site typically lead to a loss of protein function (PMID: 16199547), and loss-of-function variants in PHEX are known to be pathogenic (PMID: 9097956, 9106524, 19219621). Algorithms developed to predict the effect of sequence changes on RNA splicing suggest that this variant may disrupt the consensus splice site, but this prediction has not been confirmed by published transcriptional studies. For these reasons, this variant has been classified as Pathogenic.

Literature cited by the submitters: PubMed 30607568; PubMed 16199547; PubMed 9097956; PubMed 9106524; PubMed 19219621.